The following is an entry in ClinVar:

NM_170707.4(LMNA):c.895A>G (p.Ile299Val)

Gene: LMNA (lamin A/C; plus strand). Cytogenetic location: 1q22.
Variant type: single nucleotide variant.
Coding change: c.895A>G on transcript NM_170707.4 (MANE Select); coding-DNA position 895, A replaced by G.
Protein change: p.Ile299Val; replaces isoleucine 299 with valine.
Molecular consequence: missense variant.
Genome position (GRCh38, 1-based): chr1:156,135,271, A>G. VCF-style: chr1-156135271-A-G. GRCh37 (hg19) VCF-style: chr1-156105062-A-G.
Other names: p.I299V:ATC>GTC; c.559A>G, p.Ile187Val (NM_001257374.3); c.652A>G, p.Ile218Val (NM_001282624.2); c.895A>G, p.Ile299Val (NM_001282625.2, NM_001282626.2, NM_005572.4 and 1 more transcripts); short protein forms I299V, I187V, I218V.
Identifiers: ClinVar variation 48092 (VCV000048092.36), dbSNP rs150924946, ClinGen allele CA014949.

ClinVar aggregate classification (germline): Conflicting classifications of pathogenicity. Review status: criteria provided, conflicting classifications (1 of 4 stars). 14 submissions from 14 submitters: Uncertain significance (3); Benign (1); Likely benign (8). 2 of the submissions do not count toward it. Last evaluated 2025-12-31.

Conditions:
LMNA-related disorder. Also called: LMNA-related disorders; LMNA-related condition; LMNA-related disease. Identifiers: MedGen CN380145.
Charcot-Marie-Tooth disease. Also called: Charcot-Marie-Tooth Hereditary Neuropathy; Charcot-Marie-Tooth Neuropathy. Identifiers: Orphanet 166, MedGen C0007959, MONDO:0015626.
Cardiovascular phenotype. Identifiers: MedGen CN230736.
Charcot-Marie-Tooth disease type 2. Also called: Charcot-Marie-Tooth type 2. Identifiers: Orphanet 64746, MedGen C0270914, MONDO:0018993.
Cardiomyopathy (CMYO). Also called: Cardiomyopathies. Identifiers: Orphanet 167848, MedGen C0878544, MONDO:0004994, HP:0001638. Inheritance: Various modes of inheritance.
Familial partial lipodystrophy, Dunnigan type. Also called: Partial lipodystrophy, Dunnigan; LIPODYSTROPHY, FAMILIAL, OF LIMBS AND LOWER TRUNK; LIPODYSTROPHY, REVERSE PARTIAL. Identifiers: Orphanet 2348, MedGen C1720860, MONDO:0007906, OMIM 151660.
Primary dilated cardiomyopathy (DCM). Also called: Dilated Cardiomyopathy. Identifiers: Orphanet 217604, MedGen C0007193, MeSH D002311, MONDO:0005021, HP:0001644. Inheritance: Various modes of inheritance.

Allele frequency attached by ClinVar (database versions not stated): ExAC 0.00040; gnomAD exomes 0.00048; gnomAD 0.00016; 1000 Genomes Project 0.00020; 1000 Genomes Project 30x 0.00031; TOPMed 0.00031; ESP Exome Variant Server 0.00038.
gnomAD v4.1: 288 of 1,613,644 alleles (0.018%); highest among the groups gnomAD compares: Admixed American, 0.21%; no homozygotes.

Submissions (14):

Labcorp Genetics (formerly Invitae), Labcorp
Classification: Likely benign for Charcot-Marie-Tooth disease type 2. Last evaluated: 2025-12-31. Review status: criteria provided, single submitter. Criteria: Invitae Variant Classification Sherloc (09022015). Collection method: clinical testing. Allele origin: germline.

All of Us Research Program, National Institutes of Health
Classification: Likely benign for Primary dilated cardiomyopathy. Last evaluated: 2024-09-23. Review status: criteria provided, single submitter. Criteria: ACMG Guidelines, 2015. Collection method: clinical testing. Allele origin: germline. Inheritance: Autosomal dominant inheritance. Observed: 85 variant alleles, 85 heterozygotes.
Comment: This study involves interpretation of variants in research participants for the purpose of population health screening. Participant phenotype was not available at the time of variant classification. Additional details can be found in publication PMID: 35346344, PMCID: PMC8962531

Blueprint Genetics
Classification: Likely benign. Last evaluated: 2024-08-09. Review status: criteria provided, single submitter. Criteria: ACMG Guidelines, 2015. Collection method: clinical testing. Allele origin: germline.

Revvity Omics, Revvity
Classification: Likely benign. Last evaluated: 2024-05-07. Review status: criteria provided, single submitter. Criteria: ACMG Guidelines, 2015. Collection method: clinical testing. Allele origin: germline.

Women's Health and Genetics/Laboratory Corporation of America, LabCorp
Classification: Likely benign. Last evaluated: 2022-03-05. Review status: criteria provided, single submitter. Criteria: LabCorp Variant Classification Summary - May 2015. Collection method: clinical testing. Allele origin: germline.

GeneDx
Classification: Likely benign. Last evaluated: 2021-01-18. Review status: criteria provided, single submitter. Criteria: GeneDx Variant Classification Process June 2021. Collection method: clinical testing. Allele origin: germline. Affected: yes.
Comment: This variant is associated with the following publications: (PMID: 28663758, 25163546, 25351510, 25367549, 25637381, 24503780, 21883346, 27841971, 26332594, 25832542)

Laboratory for Molecular Medicine, Mass General Brigham Personalized Medicine
Classification: Uncertain significance. Last evaluated: 2019-03-07. Review status: criteria provided, single submitter. Criteria: LMM Criteria. Collection method: clinical testing. Allele origin: germline. Observed: 1 variant allele.
Comment: Variant classified as Uncertain Significance - Favor Benign. The p.Ile299Val variant in LMNA has been reported in 1 individual with Familial Partial Lipodystrophy (FPLD2) and lipomas (it is unclear if this individual had any cardiac manifestations), segregated with disease in 2 affected relatives but was also detected in 1 assymptomatic nephew of the proband, and was absent from 100 control chromosomes (AraÃºjo-Vilar 2011). It has also been reported in 1 individual with DCM (Pugh 2014). This variant has also been identified in 0.3% of Latino chromosomes in gnomAD. Conserved across evolutionarily distant species, however computational predictions on the impact to the protein are mixed . This data suggests that the Ile299Val variant may be benign for cardiomyopathy and Familial Partial Lipodystrophy, although additional information is needed to fully assess its clinical significance.

Color Diagnostics, LLC DBA Color Health
Classification: Likely benign for Cardiomyopathy. Last evaluated: 2018-09-10. Review status: criteria provided, single submitter. Criteria: ACMG Guidelines, 2015. Collection method: clinical testing. Allele origin: germline.

Athena Diagnostics
Classification: Benign. Last evaluated: 2018-09-07. Review status: criteria provided, single submitter. Criteria: Athena Diagnostics Criteria. Collection method: clinical testing. Allele origin: germline.

Ambry Genetics
Classification: Likely benign for Cardiovascular phenotype. Last evaluated: 2017-11-17. Review status: criteria provided, single submitter. Criteria: Ambry Variant Classification Scheme 2023. Collection method: clinical testing. Allele origin: germline.

Eurofins Ntd Llc (ga)
Classification: Uncertain significance. Last evaluated: 2017-06-26. Review status: criteria provided, single submitter. Criteria: EGL Classification Definitions 2015. Collection method: clinical testing. Allele origin: germline. Observed: 3 variant alleles, 3 heterozygotes.

Molecular Genetics Laboratory, London Health Sciences Centre
Classification: Uncertain significance for Charcot-Marie-Tooth disease. Review status: criteria provided, single submitter. Criteria: ACMG Guidelines, 2015. Collection method: clinical testing. Allele origin: germline. Affected: yes.

PreventionGenetics, part of Exact Sciences
Classification: Likely benign for LMNA-related condition. Last evaluated: 2024-05-15. Review status: no assertion criteria provided. Collection method: clinical testing. Allele origin: germline. Not counted in ClinVar's aggregate classification.
Comment: This variant is classified as likely benign based on ACMG/AMP sequence variant interpretation guidelines (Richards et al. 2015 PMID: 25741868, with internal and published modifications).

CSER _CC_NCGL, University of Washington
Classification: Uncertain significance for Partial lipodystrophy, Dunnigan. Last evaluated: 2014-06-01. Review status: no assertion criteria provided. Collection method: research. Allele origin: germline. Inheritance: Autosomal dominant inheritance. Study: ESP 6500 variant annotation. Not counted in ClinVar's aggregate classification.
Comment: Variants classified for the Actionable exomic incidental findings in 6503 participants: challenges of variant classification manuscript

Literature cited by the submitters: PubMed 21883346 (cited by 3 submitters); PubMed 29078011 (cited by Athena Diagnostics); PubMed 27841971 (cited by Athena Diagnostics); PubMed 28663758 (cited by Athena Diagnostics); PubMed 24503780 (cited by Ambry Genetics); PubMed 25163546 (cited by Ambry Genetics); PubMed 25351510 (cited by Ambry Genetics); PubMed 25367549 (cited by Ambry Genetics).